The following is an entry in ClinVar:

NM_198334.3(GANAB):c.1446_1447del (p.Glu482fs)

Gene: GANAB (glucosidase II alpha subunit; minus strand). Cytogenetic location: 11q12.3.
Variant type: Deletion.
Coding change: c.1446_1447del on transcript NM_198334.3 (MANE Select); coding-DNA positions 1446 to 1447, 2 bases deleted (GC; older notation c.1446_1447delGC).
Protein change: p.Glu482fs; shifts the reading frame from glutamic acid 482.
Molecular consequence: frameshift variant.
Genome position (GRCh38, 1-based): chr11:62,630,445-62,630,446, GC deleted on the plus strand (GC on the coding strand, the reverse complement: GANAB is on the minus strand). VCF-style (leftmost placement, unchanged base first): chr11-62630444-AGC-A. GRCh37 (hg19) VCF-style: chr11-62397916-AGC-A.
Other names: c.1170_1171del, p.Glu390fs (NM_001278192.2); c.1104_1105del, p.Glu368fs (NM_001278193.2); c.1155_1156del, p.Glu385fs (NM_001278194.2, NM_001329222.2, NM_001329223.2); c.723_724del, p.Glu241fs (NM_001329224.2, NM_001329225.2); c.1512_1513del, p.Glu504fs (NM_198335.4); short protein forms E241fs, E368fs, E385fs, E390fs, E482fs, E504fs.
Identifiers: ClinVar variation 4850140 (VCV004850140.1).
Genomic context (GRCh38, chr11:62,630,444, plus strand): 5'-CAGCACCAGCCCTCATAGTCAGAGCCATCCCGGGTTTTAACATACAGCCCCAGGTTCCGC[AGC>A]TCCTCGTGAACTCGGTAGCCGGAGTCCACCTTGATGTGGGGGTCTACGATGGCCACCAGC-3'

ClinVar aggregate classification (germline): Likely pathogenic (1 of 4 stars; one submission).

Conditions:
Polycystic kidney disease 3 with or without polycystic liver disease. Also called: Polycystic kidney disease 3; Polycystic Kidney and/or Polycystic Liver Disease 3; POLYCYSTIC KIDNEY DISEASE, ADULT, TYPE III. Identifiers: MedGen C3887964, MONDO:0010916, OMIM 600666.

Submission:

Variantyx, Inc.
Classification: Likely pathogenic for Polycystic kidney disease 3 with or without polycystic liver disease. Last evaluated: 2025-07-09. Review status: criteria provided, single submitter. Criteria: Variantyx Assertion Criteria 2022. Collection method: clinical testing. Allele origin: germline. Inheritance: Autosomal dominant inheritance. Affected: yes.
Comment: This is a frameshift variant in the GANAB gene (OMIM: 104160). Pathogenic variants in this gene have been associated with autosomal dominant polycystic kidney disease 3. This variant introduces a premature termination codon in exon 12 out of 24 and is expected to result in loss of function, which is a known disease mechanism for GANAB in this disorder (PMID: 29243290, 27259053, 33097077) (PVS1). This variant is absent from control populations (PM2) and it has not been reported in individuals with GANAB-related disorders in the databases available for review. Based on the current evidence, this variant is classified as likely pathogenic for autosomal dominant polycystic kidney disease 3.

Literature cited by the submitters: PubMed 29243290; PubMed 27259053; PubMed 33097077.